The following is an entry in ClinVar:

ClinVar aggregate classification (germline): Conflicting classifications of pathogenicity. Review status: criteria provided, conflicting classifications (1 of 4 stars). 5 submissions from 5 submitters: Uncertain significance (1); Likely benign (4). Last evaluated 2026-01-19.

Conditions:
Developmental and epileptic encephalopathy, 9 (DEE9). Also called: EPILEPSY, FEMALE-RESTRICTED, WITH MENTAL RETARDATION; Early infantile epileptic encephalopathy 9; PCDH19-Related X-Linked Female-Limited Epilepsy with Mental Retardation; JUBERG-HELLMAN SYNDROME. Identifiers: Orphanet 101039, Orphanet 2076, MedGen C1848137, MONDO:0010246, OMIM 300088. Disease mechanism: loss of function.

Allele frequency attached by ClinVar (database versions not stated): gnomAD 0.00001 and 0.00004; gnomAD exomes 0.00002 and 0.00005; ExAC 0.00006; 1000 Genomes Project 30x 0.00104; 1000 Genomes Project 0.00132.
gnomAD v4.1: 31 of 1,210,305 alleles (0.0026%); highest among the groups gnomAD compares: Middle Eastern, 0.11%; no homozygotes.

Submissions (5):

Labcorp Genetics (formerly Invitae), Labcorp
Classification: Likely benign for Developmental and epileptic encephalopathy, 9. Last evaluated: 2026-01-19. Review status: criteria provided, single submitter. Criteria: Invitae Variant Classification Sherloc (09022015). Collection method: clinical testing. Allele origin: germline.

CeGaT Center for Human Genetics Tuebingen
Classification: Likely benign. Last evaluated: 2025-07-01. Review status: criteria provided, single submitter. Criteria: CeGaT Center For Human Genetics Tuebingen Variant Classification Criteria Version 2. Collection method: clinical testing. Allele origin: germline. Affected: yes. Observed: 3 variant alleles.
Comment: PCDH19: BP4, BP7, BS2

Blueprint Genetics
Classification: Likely benign. Last evaluated: 2024-05-02. Review status: criteria provided, single submitter. Criteria: ACMG Guidelines, 2015. Collection method: clinical testing. Allele origin: germline.

GeneDx
Classification: Likely benign. Last evaluated: 2019-01-11. Review status: criteria provided, single submitter. Criteria: GeneDx Variant Classification Process June 2021. Collection method: clinical testing. Allele origin: germline. Affected: yes.

Eurofins Ntd Llc (ga)
Classification: Uncertain significance. Last evaluated: 2016-11-03. Review status: criteria provided, single submitter. Criteria: EGL Classification Definitions 2015. Collection method: clinical testing. Allele origin: germline. Observed: 1 variant allele, 1 hemizygote.

NM_001184880.2(PCDH19):c.1434C>T (p.Arg478=)

Gene: PCDH19 (protocadherin 19; minus strand). Cytogenetic location: Xq22.1.
Variant type: single nucleotide variant.
Coding change: c.1434C>T on transcript NM_001184880.2 (MANE Select); coding-DNA position 1434, C replaced by T.
Protein change: p.Arg478=; no amino-acid change (arginine 478 retained).
Molecular consequence: synonymous variant.
Genome position (GRCh38, 1-based): chrX:100,407,164, G>A on the plus strand (C>T on the coding strand, the complement: PCDH19 is on the minus strand). VCF-style: chrX-100407164-G-A. GRCh37 (hg19) VCF-style: chrX-99662162-G-A.
Other names: c.1434C>T, p.Arg478= (NM_001105243.2, NM_020766.3).
Identifiers: ClinVar variation 415290 (VCV000415290.37), dbSNP rs137962077, ClinGen allele CA10468884.